The following is an entry in ClinVar:

ClinVar aggregate classification (germline): Conflicting classifications of pathogenicity. Review status: criteria provided, conflicting classifications (1 of 4 stars). 6 submissions from 6 submitters: Uncertain significance (1); Benign (1); Likely benign (3). 1 of the submissions does not count toward it. Last evaluated 2025-11-01.

Conditions:
UQCRQ-related disorder. Also called: UQCRQ-related condition.
Mitochondrial complex III deficiency nuclear type 4. Identifiers: MedGen C3554607, MONDO:0014065, OMIM 615159.

Allele frequency attached by ClinVar (database versions not stated): ESP Exome Variant Server 0.00023; TOPMed 0.00023; gnomAD 0.00043 and 0.00047; gnomAD exomes 0.00063 and 0.00082; ExAC 0.00114.

Submissions (6):

CeGaT Center for Human Genetics Tuebingen
Classification: Likely benign. Last evaluated: 2025-11-01. Review status: criteria provided, single submitter. Criteria: CeGaT Center For Human Genetics Tuebingen Variant Classification Criteria Version 2. Collection method: clinical testing. Allele origin: germline. Affected: yes. Observed: 2 variant alleles.
Comment: UQCRQ: BP4, BP7, BS1

Labcorp Genetics (formerly Invitae), Labcorp
Classification: Benign. Last evaluated: 2025-10-09. Review status: criteria provided, single submitter. Criteria: Invitae Variant Classification Sherloc (09022015). Collection method: clinical testing. Allele origin: germline.

Blueprint Genetics
Classification: Likely benign. Last evaluated: 2024-11-20. Review status: criteria provided, single submitter. Criteria: ACMG Guidelines, 2015. Collection method: clinical testing. Allele origin: germline.

GeneDx
Classification: Likely benign. Last evaluated: 2020-11-27. Review status: criteria provided, single submitter. Criteria: GeneDx Variant Classification Process June 2021. Collection method: clinical testing. Allele origin: germline. Affected: yes.

Illumina Laboratory Services, Illumina
Classification: Uncertain significance for Mitochondrial complex III deficiency nuclear type 4. Last evaluated: 2018-01-13. Review status: criteria provided, single submitter. Criteria: ICSL Variant Classification Criteria 13 December 2019. Collection method: clinical testing. Allele origin: germline.

PreventionGenetics, part of Exact Sciences
Classification: Likely benign for UQCRQ-related condition. Last evaluated: 2024-07-18. Review status: no assertion criteria provided. Collection method: clinical testing. Allele origin: germline. Not counted in ClinVar's aggregate classification.
Comment: This variant is classified as likely benign based on ACMG/AMP sequence variant interpretation guidelines (Richards et al. 2015 PMID: 25741868, with internal and published modifications).

NM_014402.5(UQCRQ):c.45C>T (p.Ile15=)

Genes: UQCRQ (ubiquinol-cytochrome c reductase complex III subunit VII; plus strand), LOC126807509 (BRD4-independent group 4 enhancer GRCh37_chr5:132201613-132202812; plus strand). Cytogenetic location: 5q31.1.
Variant type: single nucleotide variant.
Coding change: c.45C>T on transcript NM_014402.5 (MANE Select); coding-DNA position 45, C replaced by T.
Protein change: p.Ile15=; no amino-acid change (isoleucine 15 retained).
Molecular consequence: synonymous variant.
Genome position (GRCh38, 1-based): chr5:132,866,926, C>T. VCF-style: chr5-132866926-C-T. GRCh37 (hg19) VCF-style: chr5-132202618-C-T.
Identifiers: ClinVar variation 350839 (VCV000350839.38), dbSNP rs150139635, ClinGen allele CA3408431.